The following is an entry in ClinVar:

ClinVar aggregate classification (germline): Uncertain significance (1 of 4 stars; one submission).

gnomAD v4.1: 1 of 1,614,070 alleles (0.000062%); highest among the groups gnomAD compares: Non-Finnish European, 0.000085%; no homozygotes.

Submission:

Labcorp Genetics (formerly Invitae), Labcorp
Classification: Uncertain significance. Last evaluated: 2025-12-30. Review status: criteria provided, single submitter. Criteria: Invitae Variant Classification Sherloc (09022015). Collection method: clinical testing. Allele origin: germline.
Comment: This sequence change replaces valine, which is neutral and non-polar, with alanine, which is neutral and non-polar, at codon 222 of the UNC119 protein (p.Val222Ala). The frequency data for this variant in the population databases is considered unreliable, as metrics indicate poor data quality at this position in the gnomAD database. This variant has not been reported in the literature in individuals affected with UNC119-related conditions. An algorithm developed to predict the effect of missense changes on protein structure and function (PolyPhen-2) suggests that this variant is likely to be disruptive. In summary, the available evidence is currently insufficient to determine the role of this variant in disease. Therefore, it has been classified as a Variant of Uncertain Significance.

NM_005148.4(UNC119):c.665T>C (p.Val222Ala)

Gene: UNC119 (unc-119 lipid binding chaperone; minus strand). Cytogenetic location: 17q11.2.
Variant type: single nucleotide variant.
Coding change: c.665T>C on transcript NM_005148.4 (MANE Select); coding-DNA position 665, T replaced by C.
Protein change: p.Val222Ala; replaces valine 222 with alanine.
Molecular consequence: missense variant. On other transcripts: 3 prime UTR variant (1).
Genome position (GRCh38, 1-based): chr17:28,547,355, A>G on the plus strand (T>C on the coding strand, the complement: UNC119 is on the minus strand). VCF-style: chr17-28547355-A-G. GRCh37 (hg19) VCF-style: chr17-26874373-A-G.
Other names: c.380T>C, p.Val127Ala (NM_001330166.2); c.*269T>C (NM_054035.2); short protein forms V222A, V127A.
Identifiers: ClinVar variation 4720708 (VCV004720708.1).